The following is an entry in ClinVar:

NC_000014.9:g.(?_22773212)_(22776328_?)del

Gene: SLC7A7 (solute carrier family 7 member 7; minus strand). Cytogenetic location: 14q11.2.
Variant type: Deletion.
Identifiers: ClinVar variation 830609 (VCV000830609.5).

ClinVar aggregate classification (germline): Pathogenic (1 of 4 stars; one submission).

Conditions:
Lysinuric protein intolerance (LPI). Identifiers: Orphanet 470, MedGen C0268647, MONDO:0009109, OMIM 222700.

Submission:

Labcorp Genetics (formerly Invitae), Labcorp
Classification: Pathogenic for Lysinuric protein intolerance. Last evaluated: 2022-10-31. Review status: criteria provided, single submitter. Criteria: Invitae Variant Classification Sherloc (09022015). Collection method: clinical testing. Allele origin: germline.
Comment: This variant is a gross deletion of the genomic region encompassing exon(s) 6-11 of the SLC7A7 gene, which includes the termination codon. This deletion extends beyond the assayed region for this gene and therefore may encompass additional genes. While this deletion is not anticipated to lead to nonsense mediated decay, it is expected to alter mRNA translation or result in a truncated protein product. A similar copy number variant has been observed in individual(s) with lysinuric protein intolerance (LPI) (PMID: 25419514). In at least one individual the data is consistent with being in trans (on the opposite chromosome) from a pathogenic variant. This variant disrupts the C-terminus of the SLC7A7 protein. Other variant(s) that disrupt this region (p.Arg468* and p.Arg473*) have been observed in individuals with SLC7A7-related conditions (PMID: 10655553, 18846669, 28028301). This suggests that this may be a clinically significant region of the protein. For these reasons, this variant has been classified as Pathogenic.

Literature cited by the submitters: PubMed 25419514; PubMed 10655553; PubMed 18846669; PubMed 28028301.